The following is an entry in ClinVar:

NM_004560.4(ROR2):c.886G>A (p.Asp296Asn)

Gene: ROR2 (receptor tyrosine kinase like orphan receptor 2; minus strand). Cytogenetic location: 9q22.31.
Variant type: single nucleotide variant.
Coding change: c.886G>A on transcript NM_004560.4 (MANE Select); coding-DNA position 886, G replaced by A.
Protein change: p.Asp296Asn; replaces aspartic acid 296 with asparagine.
Molecular consequence: missense variant.
Genome position (GRCh38, 1-based): chr9:91,733,173, C>T on the plus strand (G>A on the coding strand, the complement: ROR2 is on the minus strand). VCF-style: chr9-91733173-C-T. GRCh37 (hg19) VCF-style: chr9-94495455-C-T.
Other names: c.886G>A, p.Asp296Asn (NM_001318204.2); short protein forms D296N.
Identifiers: ClinVar variation 914918 (VCV000914918.8), dbSNP rs867038828, ClinGen allele CA195333616.

ClinVar aggregate classification (germline): Uncertain significance. Review status: criteria provided, multiple submitters, no conflicts (2 of 4 stars). 3 submissions from 2 submitters: Uncertain significance (3). Last evaluated 2022-03-19.

Conditions:
Brachydactyly type B1 (BDB1). Identifiers: Orphanet 572385, Orphanet 93383, MedGen C1862112, MONDO:0007220, OMIM 113000.
Autosomal recessive Robinow syndrome (RRS1). Also called: COSTOVERTEBRAL SEGMENTATION DEFECT WITH MESOMELIA; COVESDEM SYNDROME; ROR2-Related Robinow Syndrome; ROBINOW SYNDROME, AUTOSOMAL RECESSIVE 1. Identifiers: Orphanet 1507, Orphanet 97360, MedGen C5399974, MONDO:0009999, OMIM 268310.

Allele frequency attached by ClinVar (database versions not stated): TOPMed 0.00001; gnomAD exomes below 0.00001.
gnomAD v4.1: 6 of 1,608,524 alleles (0.00037%); highest among the groups gnomAD compares: South Asian, 0.0011%; no homozygotes.

Submissions (3):

Labcorp Genetics (formerly Invitae), Labcorp
Classification: Uncertain significance. Last evaluated: 2022-03-19. Review status: criteria provided, single submitter. Criteria: Invitae Variant Classification Sherloc (09022015). Collection method: clinical testing. Allele origin: germline.
Comment: In summary, the available evidence is currently insufficient to determine the role of this variant in disease. Therefore, it has been classified as a Variant of Uncertain Significance. Advanced modeling of protein sequence and biophysical properties (such as structural, functional, and spatial information, amino acid conservation, physicochemical variation, residue mobility, and thermodynamic stability) performed at Invitae indicates that this missense variant is not expected to disrupt ROR2 protein function. ClinVar contains an entry for this variant (Variation ID: 914918). This variant has not been reported in the literature in individuals affected with ROR2-related conditions. The frequency data for this variant in the population databases is considered unreliable, as metrics indicate poor data quality at this position in the gnomAD database. This sequence change replaces aspartic acid, which is acidic and polar, with asparagine, which is neutral and polar, at codon 296 of the ROR2 protein (p.Asp296Asn).

Illumina Laboratory Services, Illumina
Classification: Uncertain significance for Brachydactyly type B1. Last evaluated: 2018-01-12. Review status: criteria provided, single submitter. Criteria: ICSL Variant Classification Criteria 13 December 2019. Collection method: clinical testing. Allele origin: germline.

Illumina Laboratory Services, Illumina
Classification: Uncertain significance for Autosomal recessive Robinow syndrome. Last evaluated: 2018-01-12. Review status: criteria provided, single submitter. Criteria: ICSL Variant Classification Criteria 13 December 2019. Collection method: clinical testing. Allele origin: germline.